The following is an entry in ClinVar:

ClinVar aggregate classification (germline): Uncertain significance (1 of 4 stars; one submission).

Conditions:
DYRK1A-related intellectual disability syndrome (MRD7). Also called: DYRK1A Syndrome; Intellectual developmental disorder, autosomal dominant 7. Identifiers: Orphanet 464306, MedGen C5568143, MONDO:0013578, OMIM 614104.

Allele frequency attached by ClinVar (database versions not stated): gnomAD exomes below 0.00001.
gnomAD v4.1: 1 of 1,614,186 alleles (0.000062%); highest among the groups gnomAD compares: Non-Finnish European, 0.000085%; no homozygotes.

Submission:

Labcorp Genetics (formerly Invitae), Labcorp
Classification: Uncertain significance for DYRK1A-related intellectual disability syndrome. Last evaluated: 2022-01-19. Review status: criteria provided, single submitter. Criteria: Invitae Variant Classification Sherloc (09022015). Collection method: clinical testing. Allele origin: germline.
Comment: In summary, the available evidence is currently insufficient to determine the role of this variant in disease. Therefore, it has been classified as a Variant of Uncertain Significance. Advanced modeling of protein sequence and biophysical properties (such as structural, functional, and spatial information, amino acid conservation, physicochemical variation, residue mobility, and thermodynamic stability) performed at Invitae indicates that this missense variant is not expected to disrupt DYRK1A protein function. This variant has not been reported in the literature in individuals affected with DYRK1A-related conditions. This variant is not present in population databases (gnomAD no frequency). This sequence change replaces glycine, which is neutral and non-polar, with arginine, which is basic and polar, at codon 752 of the DYRK1A protein (p.Gly752Arg).

NM_001347721.2(DYRK1A):c.2227G>A (p.Gly743Arg)

Gene: DYRK1A (dual specificity tyrosine phosphorylation regulated kinase 1A; plus strand). Cytogenetic location: 21q22.13.
Variant type: single nucleotide variant.
Coding change: c.2227G>A on transcript NM_001347721.2 (MANE Select); coding-DNA position 2227, G replaced by A.
Protein change: p.Gly743Arg; replaces glycine 743 with arginine.
Molecular consequence: missense variant. On other transcripts: 3 prime UTR variant (2).
Genome position (GRCh38, 1-based): chr21:37,512,493, G>A. VCF-style: chr21-37512493-G-A. GRCh37 (hg19) VCF-style: chr21-38884796-G-A.
Other names: c.2227G>A, p.Gly743Arg (NM_001347722.2, NM_130436.2); c.2140G>A, p.Gly714Arg (NM_001347723.2); c.2254G>A, p.Gly752Arg (NM_001396.5); c.*630G>A (NM_101395.2); c.*539G>A (NM_130438.2); short protein forms G743R, G714R, G752R.
Identifiers: ClinVar variation 2087860 (VCV002087860.4), dbSNP rs1555995630, ClinGen allele CA409941908.